The following is an entry in ClinVar:

NM_014905.5(GLS):c.-212GCA[13]

Genes: GLS (glutaminase; plus strand), LOC129935268 (ATAC-STARR-seq lymphoblastoid silent region 12186; plus strand). Cytogenetic location: 2q32.2.
Variant type: Microsatellite.
Coding change: c.-212GCA[13] on transcript NM_014905.5 (MANE Select); 13 copies in a row of the 3-base unit GCA starting at c.-212; the reference has 16 copies in a row; three copies, 9 bases deleted.
Molecular consequence: 5 prime UTR variant.
Genome position (GRCh38, 1-based): chr2:190,880,912-190,880,920, GCAGCAGCA deleted; deleting any 9 consecutive bases within chr2:190,880,873-190,880,920 gives the same sequence; the position shown is the placement nearest the transcript's 3' end. VCF-style (leftmost placement, unchanged base first): chr2-190880872-CGCAGCAGCA-C. GRCh37 (hg19) VCF-style: chr2-191745598-CGCAGCAGCA-C.
Other names: c.-212GCA[13] (NM_001256310.2).
Identifiers: ClinVar variation 3047628 (VCV003047628.2), dbSNP rs57674096, ClinGen allele CA762383387.

ClinVar aggregate classification (germline): Likely benign (0 of 4 stars; one submission).

Conditions:
GLS-related disorder. Also called: GLS-related condition.

Submission:

PreventionGenetics, part of Exact Sciences
Classification: Likely benign for GLS-related condition. Last evaluated: 2021-09-27. Review status: no assertion criteria provided. Collection method: clinical testing. Allele origin: germline.
Comment: This variant is classified as likely benign based on ACMG/AMP sequence variant interpretation guidelines (Richards et al. 2015 PMID: 25741868, with internal and published modifications).